The following is an entry in ClinVar:

ClinVar aggregate classification (germline): Uncertain significance (1 of 4 stars; one submission).

gnomAD v4.1: 2 of 1,604,860 alleles (0.00012%); highest among the groups gnomAD compares: Non-Finnish European, 0.00017%; no homozygotes.

Submission:

Labcorp Genetics (formerly Invitae), Labcorp
Classification: Uncertain significance. Last evaluated: 2022-06-12. Review status: criteria provided, single submitter. Criteria: Invitae Variant Classification Sherloc (09022015). Collection method: clinical testing. Allele origin: germline.
Comment: This sequence change replaces arginine, which is basic and polar, with cysteine, which is neutral and slightly polar, at codon 171 of the KL protein (p.Arg171Cys). This variant is not present in population databases (gnomAD no frequency). This variant has not been reported in the literature in individuals affected with KL-related conditions. Algorithms developed to predict the effect of missense changes on protein structure and function are either unavailable or do not agree on the potential impact of this missense change (SIFT: "Deleterious"; PolyPhen-2: "Probably Damaging"; Align-GVGD: "Class C0"). In summary, the available evidence is currently insufficient to determine the role of this variant in disease. Therefore, it has been classified as a Variant of Uncertain Significance.

NM_004795.4(KL):c.511C>T (p.Arg171Cys)

Gene: KL (klotho; plus strand). Cytogenetic location: 13q13.1.
Variant type: single nucleotide variant.
Coding change: c.511C>T on transcript NM_004795.4 (MANE Select); coding-DNA position 511, C replaced by T.
Protein change: p.Arg171Cys; replaces arginine 171 with cysteine.
Molecular consequence: missense variant.
Genome position (GRCh38, 1-based): chr13:33,016,951, C>T. VCF-style: chr13-33016951-C-T. GRCh37 (hg19) VCF-style: chr13-33591089-C-T.
Other names: short protein forms R171C.
Identifiers: ClinVar variation 1488032 (VCV001488032.6), dbSNP rs200517420, ClinGen allele CA387781721.